The following is an entry in ClinVar:

ClinVar aggregate classification (germline): Uncertain significance (1 of 4 stars; one submission).

Submission:

Labcorp Genetics (formerly Invitae), Labcorp
Classification: Uncertain significance. Last evaluated: 2025-02-19. Review status: criteria provided, single submitter. Criteria: Invitae Variant Classification Sherloc (09022015). Collection method: clinical testing. Allele origin: germline.
Comment: This sequence change falls in intron 7 of the SCLT1 gene. It does not directly change the encoded amino acid sequence of the SCLT1 protein. It affects a nucleotide within the consensus splice site. This variant is not present in population databases (gnomAD no frequency). This variant has not been reported in the literature in individuals affected with SCLT1-related conditions. Variants that disrupt the consensus splice site are a relatively common cause of aberrant splicing (PMID: 17576681, 9536098). Algorithms developed to predict the effect of sequence changes on RNA splicing suggest that this variant is not likely to affect RNA splicing. In summary, the available evidence is currently insufficient to determine the role of this variant in disease. Therefore, it has been classified as a Variant of Uncertain Significance.

Literature cited by the submitters: PubMed 17576681; PubMed 9536098.

NM_144643.4(SCLT1):c.549+3_549+4insTTG

Gene: SCLT1 (sodium channel and clathrin linker 1; minus strand). Cytogenetic location: 4q28.2.
Variant type: Insertion.
Coding change: c.549+3_549+4insTTG on transcript NM_144643.4 (MANE Select); bases 3 to 4 of the intron after coding-DNA position 549, TTG inserted.
Molecular consequence: intron variant.
Genome position: GRCh38 VCF-style: chr4-128999668-T-TCAA. GRCh37 (hg19) VCF-style: chr4-129920823-T-TCAA.
Other names: c.549+3_549+4insTTG (NM_001410807.1).
Identifiers: ClinVar variation 4694342 (VCV004694342.1).
Genomic context (GRCh38, chr4:128,999,668, plus strand): 5'-AAACAGTTTCTTCAGAGTGCAATTTCTTATTGATATACAAGAAAATGATGAAATCCAAGA[T>TCAA]TACCTTTTGTTTTTGACTTTCAAATACATGAATCTGGGCCTCAGTCATATGTTCCTGGTA-3'